The following is an entry in ClinVar:

NM_000238.4(KCNH2):c.3107del (p.Gly1036fs)

Gene: KCNH2 (potassium voltage-gated channel subfamily H member 2; minus strand). Cytogenetic location: 7q36.1.
Variant type: Deletion.
Coding change: c.3107del on transcript NM_000238.4 (MANE Select); coding-DNA position 3107, one base deleted (G; older notation c.3107delG).
Protein change: p.Gly1036fs; shifts the reading frame from glycine 1036.
Molecular consequence: frameshift variant. On other transcripts: non-coding transcript variant (2).
Genome position (GRCh38, 1-based): chr7:150,947,373, C deleted on the plus strand (G on the coding strand, the reverse complement: KCNH2 is on the minus strand); the first of 4 consecutive C bases (chr7:150,947,373-150,947,376); deleting any one gives the same sequence. VCF-style (leftmost placement, unchanged base first): chr7-150947372-GC-G. GRCh37 (hg19) VCF-style: chr7-150644460-GC-G.
Other names: c.2819del, p.Gly940fs (NM_001406753.1); c.2087del, p.Gly696fs (NM_172057.3); c.3107delG (NM_000238.2, NM_000238.3); short protein forms G1036fs, G696fs, G940fs.
Identifiers: ClinVar variation 200801 (VCV000200801.53), dbSNP rs794728469, ClinGen allele CA007951.

ClinVar aggregate classification (germline): Pathogenic. Review status: criteria provided, multiple submitters, no conflicts (2 of 4 stars). 4 submissions from 4 submitters: Pathogenic (4). Last evaluated 2025-06-09.

Conditions:
KCNH2-related disorder. Also called: KCNH2-related condition; KCNH2-related disorders.
Cardiovascular phenotype. Identifiers: MedGen CN230736.
Long QT syndrome (LQTS). Identifiers: MedGen C0023976, MeSH D008133, MONDO:0002442. Disease mechanism: loss of function. Inheritance: Various modes of inheritance.

Submissions (4):

Labcorp Genetics (formerly Invitae), Labcorp
Classification: Pathogenic for Long QT syndrome. Last evaluated: 2025-06-09. Review status: criteria provided, single submitter. Criteria: Invitae Variant Classification Sherloc (09022015). Collection method: clinical testing. Allele origin: germline.
Comment: This sequence change creates a premature translational stop signal (p.Gly1036Alafs*21) in the KCNH2 gene. It is expected to result in an absent or disrupted protein product. Loss-of-function variants in KCNH2 are known to be pathogenic (PMID: 10973849, 19862833). This variant is not present in population databases (gnomAD no frequency). This premature translational stop signal has been observed in individuals with suspicion of long QT syndrome or sudden arrhythmic death syndrome (PMID: 23631430, 28449774). ClinVar contains an entry for this variant (Variation ID: 200801). For these reasons, this variant has been classified as Pathogenic.

Blueprint Genetics
Classification: Pathogenic for KCNH2-related disorders. Last evaluated: 2023-04-21. Review status: criteria provided, single submitter. Criteria: ACMG Guidelines, 2015. Collection method: clinical testing. Allele origin: germline. Affected: yes. Observed: 2 variant alleles.

GeneDx
Classification: Pathogenic. Last evaluated: 2022-06-16. Review status: criteria provided, single submitter. Criteria: GeneDx Variant Classification Process June 2021. Collection method: clinical testing. Allele origin: germline. Affected: yes.
Comment: Frameshift variant predicted to result in protein truncation or nonsense mediated decay in a gene for which loss-of-function is a known mechanism of disease; Reported in individuals with suspicion of long QT syndrome or affected with sudden arrhythmic death syndrome (Lieve et al., 2013; Lahrouchi et al., 2017); Not observed at significant frequency in large population cohorts (gnomAD); This variant is associated with the following publications: (PMID: 23631430, 28449774)

Ambry Genetics
Classification: Pathogenic for Cardiovascular phenotype. Last evaluated: 2018-05-31. Review status: criteria provided, single submitter. Criteria: Ambry Variant Classification Scheme 2023. Collection method: clinical testing. Allele origin: germline.
Comment: The c.3107delG pathogenic mutation, located in coding exon 13 of the KCNH2 gene, results from a deletion of one nucleotide at position 3107, causing a translational frameshift with a predicted alternate stop codon (p.G1036Afs*21). This alteration has been reported in a long QT syndrome (LQTS) cohort and a sudden death cohort (Lieve KV et al. Genet Test Mol Biomarkers, 2013 Jul;17:553-61; Lahrouchi N et al. J. Am. Coll. Cardiol., 2017 May;69:2134-2145). In addition to the clinical data presented in the literature, this alteration is expected to result in loss of function by premature protein truncation or nonsense-mediated mRNA decay. As such, this alteration is interpreted as a disease-causing mutation.

Literature cited by the submitters: PubMed 10973849 (cited by Labcorp Genetics (formerly Invitae), Labcorp); PubMed 19862833 (cited by Labcorp Genetics (formerly Invitae), Labcorp); PubMed 23631430 (cited by Labcorp Genetics (formerly Invitae), Labcorp and Ambry Genetics); PubMed 28449774 (cited by Labcorp Genetics (formerly Invitae), Labcorp and Ambry Genetics).